The following is an entry in ClinVar:

ClinVar aggregate classification (germline): Uncertain significance. Review status: criteria provided, single submitter (1 of 4 stars). 2 submissions from 2 submitters: Uncertain significance (1). 1 of the submissions does not count toward it. Last evaluated 2022-05-05.

Conditions:
Alstrom syndrome (ALMS). Identifiers: Orphanet 64, MedGen C0268425, MONDO:0008763, OMIM 203800.

Submissions (2):

Labcorp Genetics (formerly Invitae), Labcorp
Classification: Uncertain significance for Alstrom syndrome. Last evaluated: 2022-05-05. Review status: criteria provided, single submitter. Criteria: Invitae Variant Classification Sherloc (09022015). Collection method: clinical testing. Allele origin: germline.
Comment: This variant is not present in population databases (gnomAD no frequency). This sequence change affects codon 109 of the ALMS1 mRNA. It is a 'silent' change, meaning that it does not change the encoded amino acid sequence of the ALMS1 protein. This variant also falls at the last nucleotide of exon 1, which is part of the consensus splice site for this exon. This variant has not been reported in the literature in individuals affected with ALMS1-related conditions. Variants that disrupt the consensus splice site are a relatively common cause of aberrant splicing (PMID: 17576681, 9536098). Algorithms developed to predict the effect of sequence changes on RNA splicing suggest that this variant may disrupt the consensus splice site. In summary, the available evidence is currently insufficient to determine the role of this variant in disease. Therefore, it has been classified as a Variant of Uncertain Significance.

Natera, Inc.
Classification: Uncertain significance for Alstrom syndrome. Last evaluated: 2025-03-24. Review status: no assertion criteria provided. Collection method: clinical testing. Allele origin: germline. Not counted in ClinVar's aggregate classification.

Literature cited by the submitters: PubMed 17576681 (cited by Labcorp Genetics (formerly Invitae), Labcorp); PubMed 9536098 (cited by Labcorp Genetics (formerly Invitae), Labcorp).

NM_001378454.1(ALMS1):c.324G>C (p.Lys108Asn)

Gene: ALMS1 (ALMS1 centrosome and basal body associated protein; plus strand). Cytogenetic location: 2p13.1.
Variant type: single nucleotide variant.
Coding change: c.324G>C on transcript NM_001378454.1 (MANE Select); coding-DNA position 324, G replaced by C.
Protein change: p.Lys108Asn; replaces lysine 108 with asparagine.
Molecular consequence: missense variant.
Genome position (GRCh38, 1-based): chr2:73,386,192, G>C. VCF-style: chr2-73386192-G-C. GRCh37 (hg19) VCF-style: chr2-73613320-G-C.
Other names: c.327G>C, p.Lys109Asn (NM_015120.4); short protein forms K109N, K108N.
Identifiers: ClinVar variation 2046176 (VCV002046176.5), dbSNP rs2465971944, ClinGen allele CA347251075.